The following is an entry in ClinVar:

ClinVar aggregate classification (germline): Uncertain significance (1 of 4 stars; one submission).

Conditions:
Charcot-Marie-Tooth disease type 4. Also called: Charcot-Marie-Tooth disease, type IV; Charcot-Marie-Tooth, Type 4. Identifiers: Orphanet 64749, MedGen C4082197, MONDO:0018995.

gnomAD v4.1: 2 of 1,614,156 alleles (0.00012%); highest among the groups gnomAD compares: Non-Finnish European, 0.00017%; no homozygotes.

Submission:

Labcorp Genetics (formerly Invitae), Labcorp
Classification: Uncertain significance for Charcot-Marie-Tooth disease type 4. Last evaluated: 2025-03-05. Review status: criteria provided, single submitter. Criteria: Invitae Variant Classification Sherloc (09022015). Collection method: clinical testing. Allele origin: germline.
Comment: This sequence change replaces tyrosine, which is neutral and polar, with cysteine, which is neutral and slightly polar, at codon 1304 of the SBF2 protein (p.Tyr1304Cys). This variant is not present in population databases (gnomAD no frequency). This variant has not been reported in the literature in individuals affected with SBF2-related conditions. Invitae Evidence Modeling of protein sequence and biophysical properties (such as structural, functional, and spatial information, amino acid conservation, physicochemical variation, residue mobility, and thermodynamic stability) indicates that this missense variant is not expected to disrupt SBF2 protein function with a negative predictive value of 80%. In summary, the available evidence is currently insufficient to determine the role of this variant in disease. Therefore, it has been classified as a Variant of Uncertain Significance.

NM_030962.4(SBF2):c.3911A>G (p.Tyr1304Cys)

Gene: SBF2 (SET binding factor 2; minus strand). Cytogenetic location: 11p15.4.
Variant type: single nucleotide variant.
Coding change: c.3911A>G on transcript NM_030962.4 (MANE Select); coding-DNA position 3911, A replaced by G.
Protein change: p.Tyr1304Cys; replaces tyrosine 1304 with cysteine.
Molecular consequence: missense variant.
Genome position (GRCh38, 1-based): chr11:9,816,907, T>C on the plus strand (A>G on the coding strand, the complement: SBF2 is on the minus strand). VCF-style: chr11-9816907-T-C. GRCh37 (hg19) VCF-style: chr11-9838454-T-C.
Other names: c.4007A>G, p.Tyr1336Cys (NM_001386339.1); c.3782A>G, p.Tyr1261Cys (NM_001386342.1); c.3947A>G, p.Tyr1316Cys (NM_001424318.1, NM_001425070.1); c.3806A>G, p.Tyr1269Cys (NM_001425069.1); short protein forms Y1304C, Y1316C, Y1336C, Y1261C, Y1269C.
Identifiers: ClinVar variation 4741432 (VCV004741432.1).